The following is an entry in ClinVar:

NM_199420.4(POLQ):c.1253C>A (p.Ala418Glu)

Gene: POLQ (DNA polymerase theta; minus strand). Cytogenetic location: 3q13.33.
Variant type: single nucleotide variant.
Coding change: c.1253C>A on transcript NM_199420.4 (MANE Select); coding-DNA position 1253, C replaced by A.
Protein change: p.Ala418Glu; replaces alanine 418 with glutamic acid.
Molecular consequence: missense variant.
Genome position (GRCh38, 1-based): chr3:121,522,005, G>T on the plus strand (C>A on the coding strand, the complement: POLQ is on the minus strand). VCF-style: chr3-121522005-G-T. GRCh37 (hg19) VCF-style: chr3-121240852-G-T.
Other names: short protein forms A418E.
Identifiers: ClinVar variation 1761223 (VCV001761223.2), dbSNP rs1315942762, ClinGen allele CA354121197.
Genomic context (GRCh38, chr3:121,522,005, plus strand): 5'-GTTAAGACAGTATGAGGAATTTTGGAGGTTTCTTAATAACATTATAAATATGAAATACCT[G>T]CATGATGAAATGCTACTCCCCATGGTACAGTTTTCTGTAATACAGAGTCCAGTCCTGAAG-3'
Protein context (NP_955452.3, residues 408-428): TVPWGVAFHH[Ala418Glu]GLTFEERDII

ClinVar aggregate classification (germline): Uncertain significance (1 of 4 stars; one submission).

Submission:

Ambry Genetics
Classification: Uncertain significance. Last evaluated: 2021-11-14. Review status: criteria provided, single submitter. Criteria: Ambry Variant Classification Scheme 2023. Collection method: clinical testing. Allele origin: germline.
Comment: The p.A418E variant (also known as c.1253C>A), located in coding exon 8 of the POLQ gene, results from a C to A substitution at nucleotide position 1253. The alanine at codon 418 is replaced by glutamic acid, an amino acid with dissimilar properties. This amino acid position is conserved. In addition, this alteration is predicted to be deleterious by in silico analysis. Since supporting evidence is limited at this time, the clinical significance of this alteration remains unclear.